The following is an entry in ClinVar:

NM_003738.5(PTCH2):c.304G>A (p.Glu102Lys)

Gene: PTCH2 (patched 2; minus strand). Cytogenetic location: 1p34.1.
Variant type: single nucleotide variant.
Coding change: c.304G>A on transcript NM_003738.5 (MANE Select); coding-DNA position 304, G replaced by A.
Protein change: p.Glu102Lys; replaces glutamic acid 102 with lysine.
Molecular consequence: missense variant.
Genome position (GRCh38, 1-based): chr1:44,832,303, C>T on the plus strand (G>A on the coding strand, the complement: PTCH2 is on the minus strand). VCF-style: chr1-44832303-C-T. GRCh37 (hg19) VCF-style: chr1-45297975-C-T.
Other names: c.304G>A, p.Glu102Lys (NM_001166292.2); short protein forms E102K.
Identifiers: ClinVar variation 4797216 (VCV004797216.1).
Genomic context (GRCh38, chr1:44,832,303, plus strand): 5'-CCTGGCGTGCGGTCTGTATCAGCATCTGAGAGGTGTATGCAGCCTCCTCCCCCAGCTTCT[C>T]CTTGGTGTAATGCAGCTCCTGGCTCACCCGGCTGCCCACTGCCAGAGCAAACAGAGAAAG-3'
Protein context (NP_003729.3, residues 92-112): RVSQELHYTK[Glu102Lys]KLGEEAAYTS

ClinVar aggregate classification (germline): Uncertain significance (1 of 4 stars; one submission).

Conditions:
Gorlin syndrome. Also called: Nevoid Basal Cell Carcinoma Syndrome; Basal cell nevus syndrome. Identifiers: Orphanet 377, MedGen C0004779, MONDO:0007187.

gnomAD v4.1: 52 of 1,614,116 alleles (0.0032%); highest among the groups gnomAD compares: South Asian, 0.055%; 1 homozygote.

Submission:

Labcorp Genetics (formerly Invitae), Labcorp
Classification: Uncertain significance for Gorlin syndrome. Last evaluated: 2025-08-29. Review status: criteria provided, single submitter. Criteria: Invitae Variant Classification Sherloc (09022015). Collection method: clinical testing. Allele origin: germline.
Comment: This sequence change replaces glutamic acid, which is acidic and polar, with lysine, which is basic and polar, at codon 102 of the PTCH2 protein (p.Glu102Lys). This variant is present in population databases (rs775715451, gnomAD 0.06%), and has an allele count higher than expected for a pathogenic variant. This variant has not been reported in the literature in individuals affected with PTCH2-related conditions. Invitae Evidence Modeling of protein sequence and biophysical properties (such as structural, functional, and spatial information, amino acid conservation, physicochemical variation, residue mobility, and thermodynamic stability) indicates that this missense variant is not expected to disrupt PTCH2 protein function with a negative predictive value of 80%. In summary, the available evidence is currently insufficient to determine the role of this variant in disease. Therefore, it has been classified as a Variant of Uncertain Significance.